The following is an entry in ClinVar:

ClinVar aggregate classification (germline): Uncertain significance (1 of 4 stars; one submission).

Submission:

Labcorp Genetics (formerly Invitae), Labcorp
Classification: Uncertain significance. Last evaluated: 2022-06-08. Review status: criteria provided, single submitter. Criteria: Invitae Variant Classification Sherloc (09022015). Collection method: clinical testing. Allele origin: germline.
Comment: In summary, the available evidence is currently insufficient to determine the role of this variant in disease. Therefore, it has been classified as a Variant of Uncertain Significance. Algorithms developed to predict the effect of missense changes on protein structure and function are either unavailable or do not agree on the potential impact of this missense change (SIFT: "Not Available"; PolyPhen-2: "Possibly Damaging"; Align-GVGD: "Not Available"). This variant has not been reported in the literature in individuals affected with MYO18B-related conditions. This variant is not present in population databases (gnomAD no frequency). This sequence change replaces proline, which is neutral and non-polar, with serine, which is neutral and polar, at codon 2502 of the MYO18B protein (p.Pro2502Ser).

NM_032608.7(MYO18B):c.7504C>T (p.Pro2502Ser)

Gene: MYO18B (myosin XVIIIB; plus strand). Cytogenetic location: 22q12.1.
Variant type: single nucleotide variant.
Coding change: c.7504C>T on transcript NM_032608.7 (MANE Select); coding-DNA position 7504, C replaced by T.
Protein change: p.Pro2502Ser; replaces proline 2502 with serine.
Molecular consequence: missense variant.
Genome position (GRCh38, 1-based): chr22:26,027,478, C>T. VCF-style: chr22-26027478-C-T. GRCh37 (hg19) VCF-style: chr22-26423444-C-T.
Other names: c.7507C>T, p.Pro2503Ser (NM_001318245.2); short protein forms P2503S, P2502S.
Identifiers: ClinVar variation 1977919 (VCV001977919.5), dbSNP rs867940849, ClinGen allele CA322816191.
Genomic context (GRCh38, chr22:26,027,478, plus strand): 5'-CGTTCCTTTCTCTCGGGGATCAAGACCATTTTGAAGAAGAGCCCGGAGCCCAAGGAGGAT[C>T]CCGCTCACCTGTCTGACTCGTCCTCATCCTCCGGCTCCATCGTGTCCTTCAAAAGTGCTG-3'
Protein context (NP_115997.5, residues 2492-2512): LKKSPEPKED[Pro2502Ser]AHLSDSSSSS